The following is an entry in ClinVar:

NC_000019.9:g.(36550933_36556859)_(36564434_36572334)del

Gene: WDR62 (WD repeat domain 62; plus strand). Cytogenetic location: 19q13.12.
Variant type: Deletion.
Identifiers: ClinVar variation 3896394 (VCV003896394.2).

ClinVar aggregate classification (germline): Pathogenic (1 of 4 stars; one submission).

Conditions:
Autosomal recessive primary microcephaly. Identifiers: Orphanet 2512, MedGen C3711387, MONDO:0016660.

Submission:

Women's Health and Genetics/Laboratory Corporation of America, LabCorp
Classification: Pathogenic for Autosomal recessive primary microcephaly. Last evaluated: 2025-04-09. Review status: criteria provided, single submitter. Criteria: LabCorp Variant Classification Summary - May 2015. Collection method: clinical testing. Allele origin: germline.
Comment: Variant summary: The variant involves the deletion of exons 4-9 in the WDR62 gene. A presumed nomenclature of c.(332+1_333-1)_(1233+1_1234-1)del has been designated for the purposes of this classification. This Copy Number Variant (CNV) is expected to alter the reading frame and predicted to result in a truncation or absence of the encoded protein due to nonsense mediated decay (NMD). The variant was absent in 21694 control chromosomes. To our knowledge, no occurrence of c.(332+1_333-1)_(1233+1_1234-1)del in individuals affected with Primary microcephaly and no experimental evidence demonstrating its impact on protein function have been reported. ClinVar contains an entry for this variant (Variation ID: 3242662). Based on the evidence outlined above, the variant was classified as pathogenic.